The following is an entry in ClinVar:

ClinVar aggregate classification (germline): Uncertain significance (1 of 4 stars; one submission).

Submission:

Labcorp Genetics (formerly Invitae), Labcorp
Classification: Uncertain significance. Last evaluated: 2025-03-10. Review status: criteria provided, single submitter. Criteria: Invitae Variant Classification Sherloc (09022015). Collection method: clinical testing. Allele origin: germline.
Comment: This sequence change replaces leucine, which is neutral and non-polar, with arginine, which is basic and polar, at codon 2569 of the KMT2B protein (p.Leu2569Arg). This variant is not present in population databases (gnomAD no frequency). This variant has not been reported in the literature in individuals affected with KMT2B-related conditions. Invitae Evidence Modeling of protein sequence and biophysical properties (such as structural, functional, and spatial information, amino acid conservation, physicochemical variation, residue mobility, and thermodynamic stability) has been performed for this missense variant. However, the output from this modeling did not meet the statistical confidence thresholds required to predict the impact of this variant on KMT2B protein function. In summary, the available evidence is currently insufficient to determine the role of this variant in disease. Therefore, it has been classified as a Variant of Uncertain Significance.

NM_014727.3(KMT2B):c.7706T>G (p.Leu2569Arg)

Gene: KMT2B (lysine methyltransferase 2B; plus strand). Cytogenetic location: 19q13.12.
Variant type: single nucleotide variant.
Coding change: c.7706T>G on transcript NM_014727.3 (MANE Select); coding-DNA position 7706, T replaced by G.
Protein change: p.Leu2569Arg; replaces leucine 2569 with arginine.
Molecular consequence: missense variant.
Genome position (GRCh38, 1-based): chr19:35,737,906, T>G. VCF-style: chr19-35737906-T-G. GRCh37 (hg19) VCF-style: chr19-36228807-T-G.
Other names: short protein forms L2569R.
Identifiers: ClinVar variation 4746201 (VCV004746201.1).